The following is an entry in ClinVar:

NM_015910.7(WDPCP):c.856C>T (p.Pro286Ser)

Gene: WDPCP (WD repeat containing planar cell polarity effector; minus strand). Cytogenetic location: 2p15.
Variant type: single nucleotide variant.
Coding change: c.856C>T on transcript NM_015910.7 (MANE Select); coding-DNA position 856, C replaced by T.
Protein change: p.Pro286Ser; replaces proline 286 with serine.
Molecular consequence: missense variant. On other transcripts: non-coding transcript variant (3).
Genome position (GRCh38, 1-based): chr2:63,404,627, G>A on the plus strand (C>T on the coding strand, the complement: WDPCP is on the minus strand). VCF-style: chr2-63404627-G-A. GRCh37 (hg19) VCF-style: chr2-63631762-G-A.
Other names: c.856C>T (NM_015910.5); c.379C>T, p.Pro127Ser (NM_001042692.3); c.784C>T, p.Pro262Ser (NM_001354044.2); c.856C>T, p.Pro286Ser (NM_001354045.2); short protein forms P127S, P262S, P286S.
Identifiers: ClinVar variation 1001212 (VCV001001212.10), dbSNP rs367653779, ClinGen allele CA49233691.

ClinVar aggregate classification (germline): Uncertain significance. Review status: criteria provided, multiple submitters, no conflicts (2 of 4 stars). 3 submissions from 3 submitters: Uncertain significance (3). Last evaluated 2025-12-19.

Conditions:
WDPCP-related disorder. Also called: WDPCP-related condition.
Bardet-Biedl syndrome (BBS). Identifiers: Orphanet 110, MedGen C0752166, MONDO:0015229.
Bardet-Biedl syndrome 15 (BBS15). Identifiers: Orphanet 110, MedGen C3150127, MONDO:0014443, OMIM 615992.
Heart defect - tongue hamartoma - polysyndactyly syndrome. Also called: Congenital heart defects, hamartomas of tongue, and polysyndactyly. Identifiers: Orphanet 1338, MedGen C1857587, MONDO:0009008, OMIM 217085.

Allele frequency attached by ClinVar (database versions not stated): gnomAD exomes 0.00001 and 0.00002; TOPMed 0.00002; ESP Exome Variant Server 0.00008.
gnomAD v4.1: 30 of 1,614,008 alleles (0.0019%); highest among the groups gnomAD compares: Non-Finnish European, 0.0023%; no homozygotes.

Submissions (3):

Labcorp Genetics (formerly Invitae), Labcorp
Classification: Uncertain significance for Bardet-Biedl syndrome. Last evaluated: 2025-12-19. Review status: criteria provided, single submitter. Criteria: Invitae Variant Classification Sherloc (09022015). Collection method: clinical testing. Allele origin: germline.
Comment: This sequence change replaces proline, which is neutral and non-polar, with serine, which is neutral and polar, at codon 286 of the WDPCP protein (p.Pro286Ser). This variant is present in population databases (rs367653779, gnomAD 0.002%). This variant has not been reported in the literature in individuals affected with WDPCP-related conditions. ClinVar contains an entry for this variant (Variation ID: 1001212). Invitae Evidence Modeling of protein sequence and biophysical properties (such as structural, functional, and spatial information, amino acid conservation, physicochemical variation, residue mobility, and thermodynamic stability) has been performed for this missense variant. However, the output from this modeling did not meet the statistical confidence thresholds required to predict the impact of this variant on WDPCP protein function. In summary, the available evidence is currently insufficient to determine the role of this variant in disease. Therefore, it has been classified as a Variant of Uncertain Significance.

PreventionGenetics, part of Exact Sciences
Classification: Uncertain significance for WDPCP-related condition. Last evaluated: 2025-08-29. Review status: criteria provided, single submitter. Criteria: ACMG Guidelines, 2015. Collection method: clinical testing. Allele origin: germline.
Comment: The WDPCP c.856C>T variant is predicted to result in the amino acid substitution p.Pro286Ser. To our knowledge, this variant has not been reported in the literature. This variant is reported in 0.0018% of alleles in individuals of European (Non-Finnish) descent in gnomAD. At this time, the clinical significance of this variant is uncertain due to the absence of conclusive functional and genetic evidence.

Fulgent Genetics
Classification: Uncertain significance for Heart defect - tongue hamartoma - polysyndactyly syndrome; Bardet-Biedl syndrome 15. Last evaluated: 2024-01-17. Review status: criteria provided, single submitter. Criteria: ACMG Guidelines, 2015. Collection method: clinical testing. Allele origin: germline.